The following is an entry in ClinVar:

ClinVar aggregate classification (germline): Likely benign (0 of 4 stars; one submission).

Conditions:
FOXE1-related disorder. Also called: FOXE1-related condition.

Submission:

PreventionGenetics, part of Exact Sciences
Classification: Likely benign for FOXE1-related condition. Last evaluated: 2023-10-28. Review status: no assertion criteria provided. Collection method: clinical testing. Allele origin: germline.
Comment: This variant is classified as likely benign based on ACMG/AMP sequence variant interpretation guidelines (Richards et al. 2015 PMID: 25741868, with internal and published modifications).

NM_004473.4(FOXE1):c.505GCC[13] (p.Ala179_Ile180insAlaAla)

Gene: FOXE1 (forkhead box E1; plus strand). Cytogenetic location: 9q22.33.
Variant type: Microsatellite.
Coding change: c.505GCC[13] on transcript NM_004473.4 (MANE Select); 13 copies in a row of the 3-base unit GCC starting at c.505; the reference has 11 copies in a row; two copies, 6 bases duplicated.
Protein change: p.Ala179_Ile180insAlaAla.
Genome position (GRCh38, 1-based): chr9:97,854,446-97,854,451, GCCGCC duplicated; duplicating any 6 consecutive bases within chr9:97,854,419-97,854,451 gives the same sequence; the position shown is the placement nearest the transcript's 3' end. VCF-style (leftmost placement, unchanged base first): chr9-97854418-A-AGCCGCC. GRCh37 (hg19) VCF-style: chr9-100616700-A-AGCCGCC.
Identifiers: ClinVar variation 3061679 (VCV003061679.2), dbSNP rs71369530, ClinGen allele CA869022058.